The following continues an entry in ClinVar:

NM_000492.4(CFTR):c.2657+5G>A

Gene: CFTR. ClinVar aggregate classification (germline): Pathogenic. Pathogenic (1).

Submissions 30 to 39 of 39:

Women's Health and Genetics/Laboratory Corporation of America, LabCorp
Classification: Pathogenic. Last evaluated: 2018-02-26. Review status: criteria provided, single submitter. Criteria: LabCorp Variant Classification Summary - May 2015. Collection method: clinical testing. Allele origin: germline. Not counted in ClinVar's aggregate classification.
Comment: Variant summary: CFTR c.2657+5G>A alters a conserved nucleotide located close to a canonical splice site and therefore could affect mRNA splicing, leading to a significantly altered protein sequence. Several computational tools predict a significant impact on normal splicing: Two predict the variant abolishes a 5' splicing donor site. Three predict the variant weakens a 5' donor site. At least one publication reports experimental evidence that this variant affects mRNA splicing. The variant allele was found at a frequency of 7.2e-05 in 277224 control chromosomes. The c.2657+5G>A variant has been reported in the literature in multiple individuals affected with Cystic Fibrosis. These data indicate that the variant is very likely to be associated with disease. Four clinical diagnostic laboratories have submitted clinical-significance assessments for this variant to ClinVar after 2014 without evidence for independent evaluation. All laboratories classified the variant as pathogenic. Based on the evidence outlined above, the variant was classified as pathogenic.

GeneDx
Classification: Pathogenic. Last evaluated: 2018-02-15. Review status: criteria provided, single submitter. Criteria: GeneDx Variant Classification (06012015). Collection method: clinical testing. Allele origin: germline. Affected: yes. Not counted in ClinVar's aggregate classification.
Comment: The c.2657+5G>A variant in the CFTR gene (also reported as c.2789+5G>A due to alternate nomenclature) has been reported previously as a pathogenic variant, with a variant frequency of 0.38% among individuals with clinically diagnosed cystic fibrosis (McKone et al., 2003; Watson et al., 2004; De Boeck et al., 2014). Functional studies have shown that c.2657+5G>A causes aberrant splicing and results in the skipping of exon 16. Also, very low levels of CFTR are expressed in mutant cell lines (Masvidal et al., 2014; Sharma et al., 2014). The c.2657+G>A variant was not observed at any significant frequency in approximately 6,500 individuals of European and African American ancestry in the NHLBI Exome Sequencing Project, indicating it is not a common benign variant in these populations. We interpret c.2657+5G>A as a pathogenic variant.

CFTR-France
Classification: Pathogenic for cystic fibrosis; CFTR-related disorders. Last evaluated: 2018-01-29. Review status: criteria provided, single submitter. Criteria: Claustres M et al. (Hum Mutat 2017). Collection method: curation. Allele origin: germline. Affected: yes. Not counted in ClinVar's aggregate classification.
Comment: when the variant is in trans with another CF-causing variation, can either result in CF or in a CFTR-RD

Eurofins Ntd Llc (ga)
Classification: Pathogenic. Last evaluated: 2017-12-06. Review status: criteria provided, single submitter. Criteria: EGL Classification Definitions 2015. Collection method: clinical testing. Allele origin: germline. Observed: 4 variant alleles, 4 heterozygotes. Not counted in ClinVar's aggregate classification.

Genomic Research Center, Shahid Beheshti University of Medical Sciences
Classification: Pathogenic for Cystic fibrosis. Last evaluated: 2017-12-03. Review status: criteria provided, single submitter. Criteria: ACMG Guidelines, 2015. Collection method: clinical testing. Allele origin: inherited. Affected: no. Not counted in ClinVar's aggregate classification.

Baylor Genetics
Classification: Pathogenic for Congenital bilateral aplasia of vas deferens from CFTR mutation; Cystic fibrosis. Review status: criteria provided, single submitter. Criteria: ACMG Guidelines, 2015. Collection method: clinical testing. Allele origin: germline. Not counted in ClinVar's aggregate classification.

Kariminejad - Najmabadi Pathology & Genetics Center
Classification: Pathogenic for Cystic fibrosis. Review status: criteria provided, single submitter. Criteria: ACMG Guidelines, 2015. Collection method: clinical testing. Allele origin: germline. Affected: no. Not counted in ClinVar's aggregate classification.

Clinical Genetics DNA and cytogenetics Diagnostics Lab, Erasmus MC, Erasmus Medical Center
Classification: Pathogenic. Review status: no assertion criteria provided. Collection method: clinical testing. Allele origin: germline. Affected: yes. Study: VKGL Data-share Consensus. Not counted in ClinVar's aggregate classification.

Diagnostic Laboratory, Department of Genetics, University Medical Center Groningen
Classification: Pathogenic. Review status: no assertion criteria provided. Collection method: clinical testing. Allele origin: germline. Affected: yes. Study: VKGL Data-share Consensus. Not counted in ClinVar's aggregate classification.

GeneReviews
No classification provided. Condition: Cystic fibrosis. Review status: no classification provided. Collection method: literature only. Allele origin: unknown. Not counted in ClinVar's aggregate classification.

Literature cited by the submitters: PMC 3110945 (cited by American College of Medical Genetics and Genomics  (ACMG)); PubMed 12767731 (cited by 5 submitters); PubMed 17347447 (cited by 3 submitters); PubMed 24129438 (cited by 6 submitters); PubMed 25066652 (cited by 4 submitters); PubMed 19550280 (cited by Labcorp Genetics (formerly Invitae), Labcorp); PubMed 21520337 (cited by Labcorp Genetics (formerly Invitae), Labcorp and Quest Diagnostics Nichols Institute San Juan Capistrano); PubMed 22020151 (cited by Labcorp Genetics (formerly Invitae), Labcorp and Quest Diagnostics Nichols Institute San Juan Capistrano); PubMed 23751316 (cited by Labcorp Genetics (formerly Invitae), Labcorp and Quest Diagnostics Nichols Institute San Juan Capistrano); PubMed 23974870 (cited by 6 submitters); PubMed 25122143 (cited by Labcorp Genetics (formerly Invitae), Labcorp and Quest Diagnostics Nichols Institute San Juan Capistrano); PubMed 17576681 (cited by Labcorp Genetics (formerly Invitae), Labcorp); PubMed 9536098 (cited by Labcorp Genetics (formerly Invitae), Labcorp); PubMed 15738290 (cited by 3 submitters); PubMed 29261177 (cited by Ambry Genetics); PubMed 29431110 (cited by Ambry Genetics); PubMed 30488522 (cited by Ambry Genetics); PubMed 9101293 (cited by 4 submitters); PubMed 32026723 (cited by Natera, Inc.); PubMed 31523618 (cited by Natera, Inc.); PubMed 23613805 (cited by Natera, Inc.); PubMed 18456578 (cited by Quest Diagnostics Nichols Institute San Juan Capistrano); PubMed 24440181 (cited by Quest Diagnostics Nichols Institute San Juan Capistrano and Laboratory for Molecular Medicine, Mass General Brigham Personalized Medicine); PubMed 26553470 (cited by Quest Diagnostics Nichols Institute San Juan Capistrano); PubMed 22975760 (cited by Quest Diagnostics Nichols Institute San Juan Capistrano); PubMed 22658665 (cited by Quest Diagnostics Nichols Institute San Juan Capistrano); PubMed 25087612 (cited by Quest Diagnostics Nichols Institute San Juan Capistrano); PubMed 25525159 (cited by Quest Diagnostics Nichols Institute San Juan Capistrano); PubMed 15371902 (cited by 4 submitters); PubMed 31130284 (cited by Quest Diagnostics Nichols Institute San Juan Capistrano and Sema4); PubMed 9272157 (cited by Women's Health and Genetics/Laboratory Corporation of America, LabCorp); PubMed 20301428 (cited by GeneReviews).